The following is an entry in ClinVar:

NM_001080.3(ALDH5A1):c.12C>T (p.Cys4=)

Genes: ALDH5A1 (aldehyde dehydrogenase 5 family member A1; plus strand), GPLD1 (glycosylphosphatidylinositol specific phospholipase D1; minus strand), LOC129995978 (ATAC-STARR-seq lymphoblastoid silent region 16989; plus strand). Cytogenetic location: 6p22.3.
Variant type: single nucleotide variant.
Coding change: c.12C>T on transcript NM_001080.3 (MANE Select); coding-DNA position 12, C replaced by T.
Protein change: p.Cys4=; no amino-acid change (cysteine 4 retained).
Molecular consequence: synonymous variant.
Genome position (GRCh38, 1-based): chr6:24,495,008, C>T. VCF-style: chr6-24495008-C-T. GRCh37 (hg19) VCF-style: chr6-24495236-C-T.
Other names: c.12C>T, p.Cys4= (NM_001368954.1, NM_170740.1).
Identifiers: ClinVar variation 2421737 (VCV002421737.15), dbSNP rs764183507, ClinGen allele CA3656549.

ClinVar aggregate classification (germline): Likely benign. Review status: criteria provided, multiple submitters, no conflicts (2 of 4 stars). 3 submissions from 3 submitters: Likely benign (3). Last evaluated 2025-11-01.

Conditions:
Succinate-semialdehyde dehydrogenase deficiency (SSADHD). Also called: 4-HYDROXYBUTYRIC ACIDURIA; GABA METABOLIC DEFECT; SSADH DEFICIENCY; Succinic Semialdehyde Dehydrogenase Deficiency. Identifiers: Orphanet 22, MedGen C0268631, MONDO:0010083, OMIM 271980.

Allele frequency attached by ClinVar (database versions not stated): TOPMed 0.00001; ExAC 0.00007; gnomAD 0.00007.
gnomAD v4.1: 58 of 1,325,790 alleles (0.0044%); highest among the groups gnomAD compares: Non-Finnish European, 0.0022%; no homozygotes.

Submissions (3):

CeGaT Center for Human Genetics Tuebingen
Classification: Likely benign. Last evaluated: 2025-11-01. Review status: criteria provided, single submitter. Criteria: CeGaT Center For Human Genetics Tuebingen Variant Classification Criteria Version 2. Collection method: clinical testing. Allele origin: germline. Affected: yes. Observed: 1 variant allele.
Comment: ALDH5A1: BP4, BP7

Labcorp Genetics (formerly Invitae), Labcorp
Classification: Likely benign for Succinate-semialdehyde dehydrogenase deficiency. Last evaluated: 2025-01-25. Review status: criteria provided, single submitter. Criteria: Invitae Variant Classification Sherloc (09022015). Collection method: clinical testing. Allele origin: germline.

Blueprint Genetics
Classification: Likely benign. Last evaluated: 2023-11-13. Review status: criteria provided, single submitter. Criteria: ACMG Guidelines, 2015. Collection method: clinical testing. Allele origin: germline.